The following is an entry in ClinVar:

ClinVar aggregate classification (germline): Uncertain significance (1 of 4 stars; one submission).

Allele frequency attached by ClinVar (database versions not stated): ExAC 0.00001; gnomAD 0.00003 and 0.00002.
gnomAD v4.1: 16 of 1,613,990 alleles (0.00099%); highest among the groups gnomAD compares: Admixed American, 0.0033%; no homozygotes.

Submission:

Labcorp Genetics (formerly Invitae), Labcorp
Classification: Uncertain significance. Last evaluated: 2022-10-05. Review status: criteria provided, single submitter. Criteria: Invitae Variant Classification Sherloc (09022015). Collection method: clinical testing. Allele origin: germline.
Comment: In summary, the available evidence is currently insufficient to determine the role of this variant in disease. Therefore, it has been classified as a Variant of Uncertain Significance. Advanced modeling of protein sequence and biophysical properties (such as structural, functional, and spatial information, amino acid conservation, physicochemical variation, residue mobility, and thermodynamic stability) has been performed at Invitae for this missense variant, however the output from this modeling did not meet the statistical confidence thresholds required to predict the impact of this variant on TRAP1 protein function. ClinVar contains an entry for this variant (Variation ID: 1521576). This variant has not been reported in the literature in individuals affected with TRAP1-related conditions. This variant is present in population databases (rs769933824, gnomAD 0.006%). This sequence change replaces arginine, which is basic and polar, with cysteine, which is neutral and slightly polar, at codon 540 of the TRAP1 protein (p.Arg540Cys).

NM_016292.3(TRAP1):c.1618C>T (p.Arg540Cys)

Genes: DNASE1 (deoxyribonuclease 1; plus strand), TRAP1 (TNF receptor associated protein 1; minus strand). Cytogenetic location: 16p13.3.
Variant type: single nucleotide variant.
Coding change: c.1618C>T on transcript NM_016292.3 (MANE Select); coding-DNA position 1618, C replaced by T.
Protein change: p.Arg540Cys; replaces arginine 540 with cysteine.
Molecular consequence: missense variant. On other transcripts: 3 prime UTR variant (1).
Genome position (GRCh38, 1-based): chr16:3,663,514, G>A on the plus strand (C>T on the coding strand, the complement: TRAP1 is on the minus strand). VCF-style: chr16-3663514-G-A. GRCh37 (hg19) VCF-style: chr16-3713515-G-A.
Other names: c.1459C>T, p.Arg487Cys (NM_001272049.2); c.*890G>A (NM_001387140.1); short protein forms R540C, R487C.
Identifiers: ClinVar variation 1521576 (VCV001521576.6), dbSNP rs769933824, ClinGen allele CA7867998.